The following is an entry in ClinVar:

NM_003331.5(TYK2):c.1585C>T (p.Leu529Phe)

Gene: TYK2 (tyrosine kinase 2; minus strand). Cytogenetic location: 19p13.2.
Variant type: single nucleotide variant.
Coding change: c.1585C>T on transcript NM_003331.5 (MANE Select); coding-DNA position 1585, C replaced by T.
Protein change: p.Leu529Phe; replaces leucine 529 with phenylalanine.
Molecular consequence: missense variant.
Genome position (GRCh38, 1-based): chr19:10,362,348, G>A on the plus strand (C>T on the coding strand, the complement: TYK2 is on the minus strand). VCF-style: chr19-10362348-G-A. GRCh37 (hg19) VCF-style: chr19-10473024-G-A.
Other names: short protein forms L529F.
Identifiers: ClinVar variation 958341 (VCV000958341.9), dbSNP rs375614264, ClinGen allele CA9193375.

ClinVar aggregate classification (germline): Uncertain significance. Review status: criteria provided, multiple submitters, no conflicts (2 of 4 stars). 3 submissions from 3 submitters: Uncertain significance (3). Last evaluated 2025-09-03.

Conditions:
Immunodeficiency 35 (IMD35). Also called: HIES WITH ATYPICAL MYCOBACTERIOSIS, AUTOSOMAL RECESSIVE; HYPER-IgE SYNDROME WITH ATYPICAL MYCOBACTERIOSIS, AUTOSOMAL RECESSIVE; TYK2 DEFICIENCY; Susceptibility to infection due to TYK2 deficiency. Identifiers: Orphanet 331226, MedGen C1969086, MONDO:0012682, OMIM 611521.

Allele frequency attached by ClinVar (database versions not stated): gnomAD exomes 0.00002; TOPMed 0.00002; ExAC 0.00003; gnomAD 0.00005; ESP Exome Variant Server 0.00015.
gnomAD v4.1: 42 of 1,614,040 alleles (0.0026%); highest among the groups gnomAD compares: Non-Finnish European, 0.0035%; no homozygotes.

Submissions (3):

Labcorp Genetics (formerly Invitae), Labcorp
Classification: Uncertain significance for Immunodeficiency 35. Last evaluated: 2025-09-03. Review status: criteria provided, single submitter. Criteria: Invitae Variant Classification Sherloc (09022015). Collection method: clinical testing. Allele origin: germline.
Comment: This sequence change replaces leucine, which is neutral and non-polar, with phenylalanine, which is neutral and non-polar, at codon 529 of the TYK2 protein (p.Leu529Phe). This variant is present in population databases (rs375614264, gnomAD 0.004%). This variant has not been reported in the literature in individuals affected with TYK2-related conditions. ClinVar contains an entry for this variant (Variation ID: 958341). Invitae Evidence Modeling of protein sequence and biophysical properties (such as structural, functional, and spatial information, amino acid conservation, physicochemical variation, residue mobility, and thermodynamic stability) indicates that this missense variant is not expected to disrupt TYK2 protein function with a negative predictive value of 80%. In summary, the available evidence is currently insufficient to determine the role of this variant in disease. Therefore, it has been classified as a Variant of Uncertain Significance.

Blueprint Genetics
Classification: Uncertain significance. Last evaluated: 2024-11-13. Review status: criteria provided, single submitter. Criteria: ACMG Guidelines, 2015. Collection method: clinical testing. Allele origin: germline.

Center for Genomics, Ann and Robert H. Lurie Children's Hospital of Chicago
Classification: Uncertain significance for Immunodeficiency 35. Last evaluated: 2021-03-30. Review status: criteria provided, single submitter. Criteria: ACMG Guidelines, 2015. Collection method: clinical testing. Allele origin: germline.
Comment: TYK2 NM_003331.4 exon 11 p.Leu529Phe (c.1585C>T): This variant has not been reported in the literature but is present in 0.004% (1/21578) of Finnish alleles in the Genome Aggregation Database. This variant is present in ClinVar (Variation ID:958341). Evolutionary conservation and computational predictive tools suggest that this variant may impact the protein. In summary, data on this variant is insufficient for disease classification. Therefore, the clinical significance of this variant is uncertain.